The following is an entry in ClinVar:

ClinVar aggregate classification (germline): Pathogenic (1 of 4 stars; one submission).

Conditions:
Cerebellar dysfunction with variable cognitive and behavioral abnormalities (CECBA). Also called: Nonprogressive cerebellar atxia with intellectual disability. Identifiers: Orphanet 314647, MedGen C3553661, MONDO:0013886, OMIM 614756.

Submission:

Variantyx, Inc.
Classification: Pathogenic for Cerebellar dysfunction with variable cognitive and behavioral abnormalities. Last evaluated: 2025-05-21. Review status: criteria provided, single submitter. Criteria: Variantyx Assertion Criteria 2022. Collection method: clinical testing. Allele origin: germline. Inheritance: Autosomal dominant inheritance. Affected: yes.
Comment: This is a nonsense variant in the CAMTA1 gene (OMIM: 611501). Pathogenic variants in this gene have been associated with autosomal dominant cerebellar dysfunction with variable cognitive and behavioral abnormalities. This variant introduces a premature termination codon in exon 9 out of 23. It is expected to result in loss of function, which is a known disease mechanism for CAMTA1 in this disorder (PMID: 22693284) (PVS1). This variant is absent from control populations (PM2) and it has not been reported in individuals with CAMTA1-related disorders. Based on the current evidence, this variant is classified as pathogenic for autosomal dominant cerebellar dysfunction with variable cognitive and behavioral abnormalities.

Literature cited by the submitters: PubMed 22693284.

NM_015215.4(CAMTA1):c.1747C>T (p.Gln583Ter)

Gene: CAMTA1 (calmodulin binding transcription activator 1; plus strand). Cytogenetic location: 1p36.23.
Variant type: single nucleotide variant.
Coding change: c.1747C>T on transcript NM_015215.4 (MANE Select); coding-DNA position 1747, C replaced by T.
Protein change: p.Gln583Ter; replaces glutamine 583 with a stop codon.
Molecular consequence: nonsense.
Genome position (GRCh38, 1-based): chr1:7,664,294, C>T. VCF-style: chr1-7664294-C-T. GRCh37 (hg19) VCF-style: chr1-7724354-C-T.
Other names: c.1657C>T, p.Gln553Ter (NM_001349608.2, NM_001349612.2); c.1747C>T, p.Gln583Ter (NM_001349609.2, NM_001349610.2, NM_001410737.1); c.1675C>T, p.Gln559Ter (NM_001410738.1); short protein forms Q553*, Q559*, Q583*.
Identifiers: ClinVar variation 4813051 (VCV004813051.1).